The following is an entry in ClinVar:

ClinVar aggregate classification (germline): Benign. Review status: criteria provided, multiple submitters, no conflicts (2 of 4 stars). 5 submissions from 5 submitters: Benign (4). 1 of the submissions does not count toward it. Last evaluated 2026-02-03.

Conditions:
Palmoplantar keratoderma-esophageal carcinoma syndrome (TOC). Also called: KERATOSIS PALMARIS ET PLANTARIS WITH ESOPHAGEAL CANCER; PALMOPLANTAR KERATODERMA WITH ESOPHAGEAL CANCER; Tylosis with Esophageal Cancer. Identifiers: Orphanet 2198, MedGen C1835664, MONDO:0007856, OMIM 148500.
RHBDF2-related disorder. Also called: RHBDF2-related condition.

Allele frequency attached by ClinVar (database versions not stated): gnomAD exomes 0.00543; ExAC 0.00692; gnomAD 0.02067 and 0.02225; 1000 Genomes Project 0.02276; 1000 Genomes Project 30x 0.02311; TOPMed 0.02329; ESP Exome Variant Server 0.02430.
gnomAD v4.1: 6,316 of 1,612,372 alleles (0.39%); highest among the groups gnomAD compares: African/African-American, 7.2%; 190 homozygotes.

Submissions (5):

Labcorp Genetics (formerly Invitae), Labcorp
Classification: Benign. Last evaluated: 2026-02-03. Review status: criteria provided, single submitter. Criteria: Invitae Variant Classification Sherloc (09022015). Collection method: clinical testing. Allele origin: germline.

KCCC/NGS Laboratory, Kuwait Cancer Control Center
Classification: Benign for Palmoplantar keratoderma-esophageal carcinoma syndrome. Last evaluated: 2023-07-07. Review status: criteria provided, single submitter. Criteria: ACMG Guidelines, 2015. Collection method: clinical testing. Allele origin: germline. Affected: yes.

Illumina Laboratory Services, Illumina
Classification: Benign for Palmoplantar keratoderma-esophageal carcinoma syndrome. Last evaluated: 2018-01-13. Review status: criteria provided, single submitter. Criteria: ICSL Variant Classification Criteria 13 December 2019. Collection method: clinical testing. Allele origin: germline.
Comment: This variant was observed in the ICSL laboratory as part of a predisposition screen in an ostensibly healthy population. It had not been previously curated by ICSL or reported in the Human Gene Mutation Database (HGMD: prior to June 1st, 2018), and was therefore a candidate for classification through an automated scoring system. Utilizing variant allele frequency, disease prevalence and penetrance estimates, and inheritance mode, an automated score was calculated to assess if this variant is too frequent to cause the disease. Based on the score and internal cut-off values, a variant classified as benign is not then subjected to further curation. The score for this variant resulted in a classification of benign for this disease.

Breakthrough Genomics
Classification: Benign. Review status: criteria provided, single submitter. Criteria: ACMG Guidelines, 2015. Collection method: not provided. Allele origin: germline. Inheritance: Autosomal dominant inheritance. Affected: yes.

PreventionGenetics, part of Exact Sciences
Classification: Benign for RHBDF2-related condition. Last evaluated: 2019-02-21. Review status: no assertion criteria provided. Collection method: clinical testing. Allele origin: germline. Not counted in ClinVar's aggregate classification.
Comment: This variant is classified as benign based on ACMG/AMP sequence variant interpretation guidelines (Richards et al. 2015 PMID: 25741868, with internal and published modifications).

NM_001005498.4(RHBDF2):c.658G>A (p.Ala220Thr)

Gene: RHBDF2 (rhomboid 5 homolog 2; minus strand). Cytogenetic location: 17q25.1.
Variant type: single nucleotide variant.
Coding change: c.658G>A on transcript NM_001005498.4 (MANE Select); coding-DNA position 658, G replaced by A.
Protein change: p.Ala220Thr; replaces alanine 220 with threonine.
Molecular consequence: missense variant. On other transcripts: non-coding transcript variant (3).
Genome position (GRCh38, 1-based): chr17:76,478,820, C>T on the plus strand (G>A on the coding strand, the complement: RHBDF2 is on the minus strand). VCF-style: chr17-76478820-C-T. GRCh37 (hg19) VCF-style: chr17-74474902-C-T.
Other names: c.658G>A, p.Ala220Thr (NM_001376228.1, NM_001376229.1, NM_001376230.1); c.745G>A, p.Ala249Thr (NM_024599.5); short protein forms A249T, A220T.
Identifiers: ClinVar variation 325452 (VCV000325452.18), dbSNP rs34814954, ClinGen allele CA8787291.